The following is an entry in ClinVar:

NM_001009944.3(PKD1):c.1076T>C (p.Leu359Pro)

Gene: PKD1 (polycystin 1, transient receptor potential channel interacting; minus strand). Cytogenetic location: 16p13.3.
Variant type: single nucleotide variant.
Coding change: c.1076T>C on transcript NM_001009944.3 (MANE Select); coding-DNA position 1076, T replaced by C.
Protein change: p.Leu359Pro; replaces leucine 359 with proline.
Molecular consequence: missense variant.
Genome position (GRCh38, 1-based): chr16:2,117,916, A>G on the plus strand (T>C on the coding strand, the complement: PKD1 is on the minus strand). VCF-style: chr16-2117916-A-G. GRCh37 (hg19) VCF-style: chr16-2167917-A-G.
Other names: c.1076T>C, p.Leu359Pro (NM_000296.4); short protein forms L359P.
Identifiers: ClinVar variation 4994668 (VCV004994668.1).

ClinVar aggregate classification (germline): Uncertain significance (1 of 4 stars; one submission).

Conditions:
PKD1-related disorder. Also called: PKD1-related condition.

Submission:

PreventionGenetics, part of Exact Sciences
Classification: Uncertain significance for PKD1-related condition. Last evaluated: 2025-09-14. Review status: criteria provided, single submitter. Criteria: ACMG Guidelines, 2015. Collection method: clinical testing. Allele origin: germline.
Comment: The PKD1 c.1076T>C variant is predicted to result in the amino acid substitution p.Leu359Pro. To our knowledge, this variant has not been reported in the literature or in a large population database (gnomAD), indicating this variant is rare. At this time, the clinical significance of this variant is uncertain due to the absence of conclusive functional and genetic evidence.